The following is an entry in ClinVar:

NM_001197104.2(KMT2A):c.8432G>A (p.Arg2811His)

Gene: KMT2A (lysine methyltransferase 2A; plus strand). Cytogenetic location: 11q23.3.
Variant type: single nucleotide variant.
Coding change: c.8432G>A on transcript NM_001197104.2 (MANE Select); coding-DNA position 8432, G replaced by A.
Protein change: p.Arg2811His; replaces arginine 2811 with histidine.
Molecular consequence: missense variant.
Genome position (GRCh38, 1-based): chr11:118,504,324, G>A. VCF-style: chr11-118504324-G-A. GRCh37 (hg19) VCF-style: chr11-118375039-G-A.
Other names: c.8432G>A (NM_001197104.1); c.8423G>A, p.Arg2808His (NM_005933.4); short protein forms R2808H, R2811H.
Identifiers: ClinVar variation 872037 (VCV000872037.47), dbSNP rs782705469, ClinGen allele CA6304498.

ClinVar aggregate classification (germline): Conflicting classifications of pathogenicity. Review status: criteria provided, conflicting classifications (1 of 4 stars). 3 submissions from 3 submitters: Uncertain significance (2); Likely benign (1). Last evaluated 2023-12-07.

Conditions:
Inborn genetic diseases. Identifiers: MedGen C0950123, MeSH D030342.

Allele frequency attached by ClinVar (database versions not stated): TOPMed below 0.00001; ExAC 0.00001; gnomAD 0.00001; gnomAD exomes 0.00001.
gnomAD v4.1: 6 of 1,613,992 alleles (0.00037%); highest among the groups gnomAD compares: East Asian, 0.0045%; no homozygotes.

Submissions (3):

Labcorp Genetics (formerly Invitae), Labcorp
Classification: Uncertain significance. Last evaluated: 2023-12-07. Review status: criteria provided, single submitter. Criteria: Invitae Variant Classification Sherloc (09022015). Collection method: clinical testing. Allele origin: germline.
Comment: This sequence change replaces arginine, which is basic and polar, with histidine, which is basic and polar, at codon 2811 of the KMT2A protein (p.Arg2811His). This variant is present in population databases (rs782705469, gnomAD 0.02%). This variant has not been reported in the literature in individuals affected with KMT2A-related conditions. ClinVar contains an entry for this variant (Variation ID: 872037). Advanced modeling of protein sequence and biophysical properties (such as structural, functional, and spatial information, amino acid conservation, physicochemical variation, residue mobility, and thermodynamic stability) performed at Invitae indicates that this missense variant is not expected to disrupt KMT2A protein function with a negative predictive value of 95%. In summary, the available evidence is currently insufficient to determine the role of this variant in disease. Therefore, it has been classified as a Variant of Uncertain Significance.

Ambry Genetics
Classification: Likely benign for Inborn genetic diseases. Last evaluated: 2023-07-14. Review status: criteria provided, single submitter. Criteria: Ambry Variant Classification Scheme 2023. Collection method: clinical testing. Allele origin: germline.

CeGaT Center for Human Genetics Tuebingen
Classification: Uncertain significance. Last evaluated: 2020-02-01. Review status: criteria provided, single submitter. Criteria: CeGaT Center For Human Genetics Tuebingen Variant Classification Criteria Version 2. Collection method: clinical testing. Allele origin: germline. Affected: yes. Observed: 2 variant alleles.